The following is an entry in ClinVar:

NM_001165963.4(SCN1A):c.1345G>T (p.Glu449Ter)

Gene: SCN1A (sodium voltage-gated channel alpha subunit 1; minus strand). Cytogenetic location: 2q24.3.
Variant type: single nucleotide variant.
Coding change: c.1345G>T on transcript NM_001165963.4 (MANE Select); coding-DNA position 1345, G replaced by T.
Protein change: p.Glu449Ter; replaces glutamic acid 449 with a stop codon.
Molecular consequence: nonsense. On other transcripts: 5 prime UTR variant (1), non-coding transcript variant (1).
Genome position (GRCh38, 1-based): chr2:166,046,802, C>A on the plus strand (G>T on the coding strand, the complement: SCN1A is on the minus strand). VCF-style: chr2-166046802-C-A. GRCh37 (hg19) VCF-style: chr2-166903312-C-A.
Other names: c.1345G>T, p.Glu449Ter (NM_001165964.3, NM_001202435.3, NM_001353948.2 and 10 more transcripts); c.-1081G>T (NM_001353961.2); short protein forms E449*.
Identifiers: ClinVar variation 189973 (VCV000189973.1), dbSNP rs794726807, ClinGen allele CA303453.

ClinVar aggregate classification (germline): Pathogenic (1 of 4 stars; one submission).

Conditions:
Severe myoclonic epilepsy in infancy (DRVT). Also called: Epileptic encephalopathy, early infantile, 6 (Dravet syndrome); SEVERE MYOCLONIC EPILEPSY OF INFANCY; DEVELOPMENTAL AND EPILEPTIC ENCEPHALOPATHY 6A; Severe Myoclonic Epilepsy in Infancy (SMEI); Dravet syndrome. Identifiers: Orphanet 33069, MedGen C0751122, MONDO:0100135, OMIM 607208.

Submission:

Center for Bioinformatics, Peking University
Classification: Pathogenic for Dravet syndrome. Last evaluated: 2014-12-20. Review status: criteria provided, single submitter. Criteria: Xu et al. (Hum Mutat. 2015). Collection method: research. Allele origin: de novo. Affected: yes. Observed: 1 variant allele. Study: University Clinical Cooperation “985 Project” PKU-2014-1-1.
Comment: Dravet syndrome (DS) probands were recruited from the outpatient and inpatient child neurology units of Peking University First Hospital from 2005 till present. The study was approved by the Ethics Committee of Peking University First Hospital and the Institutional Review Board at Peking University. Participants or their parents provided written informed consent before enrollment. We collected a total of 267 mutations from 255 families with probands diagnosed with DS in China. All probands fulfilled the clinical diagnostic criteria.